The following is an entry in ClinVar:

NM_001005361.3(DNM2):c.1483G>A (p.Gly495Arg)

Gene: DNM2 (dynamin 2; plus strand). Cytogenetic location: 19p13.2.
Variant type: single nucleotide variant.
Coding change: c.1483G>A on transcript NM_001005361.3 (MANE Select); coding-DNA position 1483, G replaced by A.
Protein change: p.Gly495Arg; replaces glycine 495 with arginine.
Molecular consequence: missense variant.
Genome position (GRCh38, 1-based): chr19:10,802,348, G>A. VCF-style: chr19-10802348-G-A. GRCh37 (hg19) VCF-style: chr19-10913024-G-A.
Other names: c.1483G>A, p.Gly495Arg (NM_001005360.3, NM_001005362.3, NM_001190716.2 and 1 more transcripts); short protein forms G495R.
Identifiers: ClinVar variation 2854710 (VCV002854710.3), dbSNP rs772840253, ClinGen allele CA9201176.

ClinVar aggregate classification (germline): Uncertain significance (1 of 4 stars; one submission).

Conditions:
Charcot-Marie-Tooth disease dominant intermediate B (CMTDIB). Also called: CHARCOT-MARIE-TOOTH NEUROPATHY, DOMINANT INTERMEDIATE B; Charcot-Marie-Tooth disease dominant intermediate 1; CMT DI1; Charcot-Marie-Tooth disease dominant intermediate I. Identifiers: Orphanet 100044, Orphanet 228179, MedGen C1847902, MONDO:0011674, OMIM 606482.

Allele frequency attached by ClinVar (database versions not stated): gnomAD exomes below 0.00001; ExAC 0.00001.
gnomAD v4.1: 2 of 1,614,134 alleles (0.00012%); highest among the groups gnomAD compares: South Asian, 0.0011%; no homozygotes.

Submission:

Labcorp Genetics (formerly Invitae), Labcorp
Classification: Uncertain significance for Charcot-Marie-Tooth disease dominant intermediate B. Last evaluated: 2024-06-26. Review status: criteria provided, single submitter. Criteria: Invitae Variant Classification Sherloc (09022015). Collection method: clinical testing. Allele origin: germline.
Comment: This sequence change replaces glycine, which is neutral and non-polar, with arginine, which is basic and polar, at codon 495 of the DNM2 protein (p.Gly495Arg). This variant is present in population databases (rs772840253, gnomAD 0.003%). This missense change has been observed in individual(s) with clinical features of centronuclear myopathy (PMID: 34837441). Advanced modeling of protein sequence and biophysical properties (such as structural, functional, and spatial information, amino acid conservation, physicochemical variation, residue mobility, and thermodynamic stability) has been performed at Invitae for this missense variant, however the output from this modeling did not meet the statistical confidence thresholds required to predict the impact of this variant on DNM2 protein function. Experimental studies have shown that this missense change affects DNM2 function (PMID: 34837441). Algorithms developed to predict the effect of sequence changes on RNA splicing suggest that this variant may create or strengthen a splice site. In summary, the available evidence is currently insufficient to determine the role of this variant in disease. Therefore, it has been classified as a Variant of Uncertain Significance.

Literature cited by the submitters: PubMed 34837441.